The following is an entry in ClinVar:

NM_013447.4(ADGRE2):c.884G>A (p.Gly295Asp)

Gene: ADGRE2 (adhesion G protein-coupled receptor E2; minus strand). Cytogenetic location: 19p13.12.
Variant type: single nucleotide variant.
Coding change: c.884G>A on transcript NM_013447.4 (MANE Select); coding-DNA position 884, G replaced by A.
Protein change: p.Gly295Asp; replaces glycine 295 with aspartic acid.
Molecular consequence: missense variant.
Genome position (GRCh38, 1-based): chr19:14,765,342, C>T on the plus strand (G>A on the coding strand, the complement: ADGRE2 is on the minus strand). VCF-style: chr19-14765342-C-T. GRCh37 (hg19) VCF-style: chr19-14876154-C-T.
Other names: c.884G>A, p.Gly295Asp (NM_001271052.1); c.737G>A, p.Gly246Asp (NM_152916.2); c.605G>A, p.Gly202Asp (NM_152917.2); short protein forms G246D, G295D, G202D.
Identifiers: ClinVar variation 1908528 (VCV001908528.5), dbSNP rs953292009, ClinGen allele CA404459421.
Genomic context (GRCh38, chr19:14,765,342, plus strand): 5'-TTCCTGCCTCGCCCCCTTGCCCTGGGTCCTGTCCTTACCTGGATGGTGTTATTGGCCAAG[C>T]CTGGCTTGTAGTCTCTGCCCAGGTCCTGGACTTTGTCGAAGAATCGGGAAAGCGTCTGCA-3'
Protein context (NP_038475.2, residues 285-305): VQDLGRDYKP[Gly295Asp]LANNTIQSIL

ClinVar aggregate classification (germline): Uncertain significance (1 of 4 stars; one submission).

gnomAD v4.1: 14 of 1,614,130 alleles (0.00087%); highest among the groups gnomAD compares: East Asian, 0.0067%; no homozygotes.

Submission:

Labcorp Genetics (formerly Invitae), Labcorp
Classification: Uncertain significance. Last evaluated: 2024-08-28. Review status: criteria provided, single submitter. Criteria: Invitae Variant Classification Sherloc (09022015). Collection method: clinical testing. Allele origin: germline.
Comment: This sequence change replaces glycine, which is neutral and non-polar, with aspartic acid, which is acidic and polar, at codon 295 of the ADGRE2 protein (p.Gly295Asp). This variant is not present in population databases (gnomAD no frequency). This variant has not been reported in the literature in individuals affected with ADGRE2-related conditions. ClinVar contains an entry for this variant (Variation ID: 1908528). An algorithm developed to predict the effect of missense changes on protein structure and function outputs the following: PolyPhen-2: "Benign". The aspartic acid amino acid residue is found in multiple mammalian species, which suggests that this missense change does not adversely affect protein function. In summary, the available evidence is currently insufficient to determine the role of this variant in disease. Therefore, it has been classified as a Variant of Uncertain Significance.